The following is an entry in ClinVar:

NM_058216.3(RAD51C):c.656dup (p.Leu219fs)

Genes: RAD51C (RAD51 paralog C; plus strand), LOC129390903 (MPRA-validated peak2919 silencer; plus strand). Cytogenetic location: 17q22.
Variant type: Duplication.
Coding change: c.656dup on transcript NM_058216.3 (MANE Select); coding-DNA position 656, one base duplicated (T; older notation c.656dupT).
Protein change: p.Leu219fs; shifts the reading frame from leucine 219.
Molecular consequence: frameshift variant. On other transcripts: non-coding transcript variant (1).
Genome position (GRCh38, 1-based): chr17:58,703,280, T duplicated; the last of 2 consecutive T bases (chr17:58,703,279-58,703,280); duplicating either gives the same sequence. VCF-style (leftmost placement, unchanged base first): chr17-58703278-G-GT. GRCh37 (hg19) VCF-style: chr17-56780639-G-GT.
Other names: c.*84dup (NM_058217.1); short protein forms L219fs.
Identifiers: ClinVar variation 3148407 (VCV003148407.1), dbSNP rs2048273367, ClinGen allele CA985028289.

ClinVar aggregate classification (germline): Pathogenic (1 of 4 stars; one submission).

Conditions:
Breast-ovarian cancer, familial, susceptibility to, 3. Also called: RAD51C-Related Breast/Ovarian Cancer. Identifiers: Orphanet 145, MedGen C3150659, MONDO:0013253, OMIM 613399.

Submission:

Myriad Genetics, Inc.
Classification: Pathogenic for Breast-ovarian cancer, familial, susceptibility to, 3. Last evaluated: 2024-01-03. Review status: criteria provided, single submitter. Criteria: Myriad Autosomal Dominant, Autosomal Recessive and X-Linked Classification Criteria (2023). Collection method: clinical testing. Allele origin: unknown.
Comment: This variant is considered pathogenic. This variant creates a frameshift predicted to result in premature protein truncation.